The following is an entry in ClinVar:

ClinVar aggregate classification (germline): Pathogenic. Review status: criteria provided, multiple submitters, no conflicts (2 of 4 stars). 2 submissions from 2 submitters: Pathogenic (2). Last evaluated 2025-03-18.

Conditions:
Cardiovascular phenotype. Identifiers: MedGen CN230736.
Hereditary cancer-predisposing syndrome. Also called: Neoplastic Syndromes, Hereditary; Tumor predisposition; Hereditary Cancer Syndrome; Hereditary neoplastic syndrome. Identifiers: Orphanet 140162, MedGen C0027672, MeSH D009386, MONDO:0015356.
Juvenile myelomonocytic leukemia (JMML). Also called: LEUKEMIA, JUVENILE MYELOMONOCYTIC, SOMATIC. Identifiers: Orphanet 86834, MedGen C0349639, MONDO:0011908, OMIM 607785, HP:0012209.

Submissions (2):

Ambry Genetics
Classification: Pathogenic for Cardiovascular phenotype; Hereditary cancer-predisposing syndrome. Last evaluated: 2025-03-18. Review status: criteria provided, single submitter. Criteria: Ambry Variant Classification Scheme 2023. Collection method: clinical testing. Allele origin: germline.
Comment: The c.1120delG pathogenic mutation, located in coding exon 10 of the NF1 gene, results from a deletion of one nucleotide at nucleotide position 1120, causing a translational frameshift with a predicted alternate stop codon (p.D374Ifs*2). This variant was reported in individual(s) with features consistent with Neurofibromatosis type 1 (De Luca A et al. Hum Mutat, 2004 Jun;23:629). This variant is considered to be rare based on population cohorts in the Genome Aggregation Database (gnomAD). This alteration is expected to result in loss of function by premature protein truncation or nonsense-mediated mRNA decay. As such, this alteration is interpreted as a disease-causing mutation.

Baylor Genetics
Classification: Pathogenic for Juvenile myelomonocytic leukemia. Last evaluated: 2021-02-25. Review status: criteria provided, single submitter. Criteria: ACMG Guidelines, 2015. Collection method: clinical testing. Allele origin: unknown.

Literature cited by the submitters: PubMed 15146469 (cited by Ambry Genetics).

NM_001042492.3(NF1):c.1120del (p.Asp374fs)

Gene: NF1 (neurofibromin 1; plus strand). Cytogenetic location: 17q11.2.
Variant type: Deletion.
Coding change: c.1120del on transcript NM_001042492.3 (MANE Select); coding-DNA position 1120, one base deleted (G; older notation c.1120delG).
Protein change: p.Asp374fs; shifts the reading frame from aspartic acid 374.
Molecular consequence: frameshift variant.
Genome position (GRCh38, 1-based): chr17:31,201,094, G deleted; the last of 2 consecutive G bases (chr17:31,201,093-31,201,094); deleting either gives the same sequence. VCF-style (leftmost placement, unchanged base first): chr17-31201092-TG-T. GRCh37 (hg19) VCF-style: chr17-29528110-TG-T.
Other names: c.1120delG (NM_000267.3); c.1120delG, p.Asp374Ilefs (NM_000267.4); c.1120del, p.Asp374fs (NM_001128147.3); short protein forms D374fs.
Identifiers: ClinVar variation 2677242 (VCV002677242.2), dbSNP rs2544797084, ClinGen allele CA2695201270.